The following is an entry in ClinVar:

ClinVar aggregate classification (germline): Conflicting classifications of pathogenicity. Review status: criteria provided, conflicting classifications (1 of 4 stars). 5 submissions from 5 submitters: Uncertain significance (2); Benign (2); Likely benign (1). Last evaluated 2026-01-24.

Conditions:
Inborn genetic diseases. Identifiers: MedGen C0950123, MeSH D030342.
Cohen syndrome (COH1). Also called: PEPPER SYNDROME; Cutis verticis gyrata, retinitis pigmentosa, and sensorineural deafness. Identifiers: Orphanet 193, MedGen C0265223, MONDO:0008999, OMIM 216550.
VPS13B-related disorder. Also called: VPS13B-related condition.

Allele frequency attached by ClinVar (database versions not stated): gnomAD 0.00001 and 0.00011; TOPMed 0.00002; gnomAD exomes 0.00010 and 0.00023; ExAC 0.00016; 1000 Genomes Project 30x 0.00109; 1000 Genomes Project 0.00140.
gnomAD v4.1: 348 of 1,614,200 alleles (0.022%); highest among the groups gnomAD compares: East Asian, 0.77%; 3 homozygotes.

Submissions (5):

Labcorp Genetics (formerly Invitae), Labcorp
Classification: Likely benign for Cohen syndrome. Last evaluated: 2026-01-24. Review status: criteria provided, single submitter. Criteria: Invitae Variant Classification Sherloc (09022015). Collection method: clinical testing. Allele origin: germline.

PreventionGenetics, part of Exact Sciences
Classification: Uncertain significance for VPS13B-related condition. Last evaluated: 2026-01-02. Review status: criteria provided, single submitter. Criteria: ACMG Guidelines, 2015. Collection method: clinical testing. Allele origin: germline.
Comment: The VPS13B c.10237G>T variant is predicted to result in the amino acid substitution p.Ala3413Ser. This variant was previously reported, along with a second missense variant in the same gene, in an individual with a neurodevelopmental disorder (reported as p.Ala3438Ser in supplementary data, Ko et al. 2023. PubMed ID: 37645600). However, this variant is reported in 0.13% of alleles in individuals of East Asian descent in gnomAD, which may be too frequent to be a primary cause of disease. Although we suspect that this variant may be benign, at this time, the clinical significance of this variant is uncertain due to the absence of conclusive functional and genetic evidence.

Blueprint Genetics
Classification: Benign. Last evaluated: 2024-09-03. Review status: criteria provided, single submitter. Criteria: ACMG Guidelines, 2015. Collection method: clinical testing. Allele origin: germline.

Illumina Laboratory Services, Illumina
Classification: Uncertain significance for Cohen syndrome. Last evaluated: 2018-01-12. Review status: criteria provided, single submitter. Criteria: ICSL Variant Classification Criteria 13 December 2019. Collection method: clinical testing. Allele origin: germline.

Ambry Genetics
Classification: Benign for Inborn genetic diseases. Last evaluated: 2016-07-05. Review status: criteria provided, single submitter. Criteria: Ambry Variant Classification Scheme 2023. Collection method: clinical testing. Allele origin: germline.

NM_152564.5(VPS13B):c.10237G>T (p.Ala3413Ser)

Gene: VPS13B (vacuolar protein sorting 13 homolog B; plus strand). Cytogenetic location: 8q22.2.
Variant type: single nucleotide variant.
Coding change: c.10237G>T on transcript NM_152564.5 (MANE Select); coding-DNA position 10237, G replaced by T.
Protein change: p.Ala3413Ser; replaces alanine 3413 with serine.
Molecular consequence: missense variant.
Genome position (GRCh38, 1-based): chr8:99,853,626, G>T. VCF-style: chr8-99853626-G-T. GRCh37 (hg19) VCF-style: chr8-100865854-G-T.
Other names: c.10237G>T (NM_152564.4); c.10312G>T, p.Ala3438Ser (NM_017890.5); short protein forms A3413S, A3438S.
Identifiers: ClinVar variation 588006 (VCV000588006.19), dbSNP rs79324124, ClinGen allele CA4824915.
Genomic context (GRCh38, chr8:99,853,626, plus strand): 5'-AACATTTTTCTCTGTGTGGCCCCGGGAGCTGGTCCCCTCCCTGGGGAAGAGCCTGTGGCT[G>T]CGTTGTTTGAACTTTACTGTGTGGAGATCTGCTGTGGGGACCTGCAGCTAGACAACCAGC-3'
Protein context (NP_689777.3, residues 3403-3423): GPLPGEEPVA[Ala3413Ser]LFELYCVEIC